The following is an entry in ClinVar:

NM_001048174.2(MUTYH):c.1501del (p.Leu501fs)

Gene: MUTYH (mutY DNA glycosylase; minus strand). Cytogenetic location: 1p34.1.
Variant type: Deletion.
Coding change: c.1501del on transcript NM_001048174.2 (MANE Select); coding-DNA position 1501, one base deleted (C; older notation c.1501delC).
Protein change: p.Leu501fs; shifts the reading frame from leucine 501.
Molecular consequence: frameshift variant. On other transcripts: non-coding transcript variant (2).
Genome position (GRCh38, 1-based): chr1:45,329,371, G deleted on the plus strand (C on the coding strand, the reverse complement: MUTYH is on the minus strand); the first of 2 consecutive G bases (chr1:45,329,371-45,329,372); deleting either gives the same sequence. VCF-style (leftmost placement, unchanged base first): chr1-45329370-AG-A. GRCh37 (hg19) VCF-style: chr1-45795042-AG-A.
Other names: c.1501del, p.Leu501fs (NM_001048171.2, NM_001048173.2, NM_001293195.2); c.1504del, p.Leu502fs (NM_001048172.2); c.1585del, p.Leu529fs (NM_001128425.2); c.1546del, p.Leu516fs (NM_001293190.2); c.1534del, p.Leu512fs (NM_001293191.2); c.1225del, p.Leu409fs (NM_001293192.2, NM_001293196.2); c.1156del, p.Leu386fs (NM_001350650.2, NM_001350651.2); c.1576del, p.Leu526fs (NM_012222.3); and 2 more; short protein forms L386fs, L529fs, L501fs, L512fs, L409fs, L502fs, L516fs, L526fs.
Identifiers: ClinVar variation 483921 (VCV000483921.10), dbSNP rs1484876251, ClinGen allele CA658656911.

ClinVar aggregate classification (germline): Conflicting classifications of pathogenicity. Review status: criteria provided, conflicting classifications (1 of 4 stars). 3 submissions from 3 submitters: Pathogenic (1); Uncertain significance (2). Last evaluated 2025-08-26.

Conditions:
Hereditary cancer-predisposing syndrome. Also called: Hereditary neoplastic syndrome; Hereditary Cancer Syndrome; Neoplastic Syndromes, Hereditary; Tumor predisposition. Identifiers: Orphanet 140162, MedGen C0027672, MeSH D009386, MONDO:0015356.
Familial adenomatous polyposis 2. Also called: MYH-associated polyposis; COLORECTAL ADENOMATOUS POLYPOSIS, AUTOSOMAL RECESSIVE; ADENOMAS, MULTIPLE COLORECTAL, AUTOSOMAL RECESSIVE; MUTYH-related attenuated familial adenomatous polyposis; Adenomas, multiple colorectal; FAP type 2. Identifiers: Orphanet 220460, Orphanet 247798, MedGen C3272841, MONDO:0012041, OMIM 608456.

Submissions (3):

Ambry Genetics
Classification: Uncertain significance for Hereditary cancer-predisposing syndrome. Last evaluated: 2025-08-26. Review status: criteria provided, single submitter. Criteria: Ambry Variant Classification Scheme 2023. Collection method: clinical testing. Allele origin: germline.
Comment: The c.1585delC variant, located in coding exon 16 of the MUTYH gene, results from a deletion of one nucleotide at nucleotide position 1585, causing a translational frameshift with a predicted alternate stop codon (p.L529Wfs*42). This alteration occurs at the 3' terminus of theMUTYH gene, is not expected to trigger nonsense-mediated mRNAdecay and results in the elongation of the protein by 20 amino acids. This frameshift impacts the last 21 amino acids of the native protein. The exact functional effect of the altered amino acids is unknown. Structural analysis suggests that this alteration is expected to result in loss of predicted and confirmed interaction and regulatory domains, including PCNA-binding Pip domain, which results in loss of DNA repair function in-vitro (Chang DY et al. J. Biol. Chem. 2002 Apr;277(14):11853-8), as well as gain of putative interaction motifs, including a nuclear-hormone-receptor coactivator motif (NRBOX) (Leo C et al. Gene 2000 Mar;245(1):1-11). Based on the available evidence, the clinical significance of this variant remains unclear.

GeneDx
Classification: Uncertain significance. Last evaluated: 2025-01-06. Review status: criteria provided, single submitter. Criteria: GeneDx Variant Classification Process June 2021. Collection method: clinical testing. Allele origin: germline. Affected: yes.
Comment: Not observed at significant frequency in large population cohorts (gnomAD); Frameshift variant predicted to result in abnormal protein length as the last 21 amino acid(s) are replaced with 41 different amino acid(s); Has not been previously published as pathogenic or benign to our knowledge

Labcorp Genetics (formerly Invitae), Labcorp
Classification: Pathogenic for Familial adenomatous polyposis 2. Last evaluated: 2024-05-06. Review status: criteria provided, single submitter. Criteria: Invitae Variant Classification Sherloc (09022015). Collection method: clinical testing. Allele origin: germline.
Comment: This sequence change results in a frameshift in the MUTYH gene (p.Leu529Trpfs*42). While this is not anticipated to result in nonsense mediated decay, it is expected to disrupt the last 21 amino acid(s) of the MUTYH protein and extend the protein by 20 additional amino acid residues. This variant is not present in population databases (gnomAD no frequency). This variant has not been reported in the literature in individuals affected with MUTYH-related conditions. ClinVar contains an entry for this variant (Variation ID: 483921). Algorithms developed to predict the effect of sequence changes on RNA splicing suggest that this variant may disrupt the consensus splice site. This variant results in an extension of the MUTYH protein. Other variant(s) that result in a similarly extended protein product (p.Ala547Glufs*24) have been determined to be pathogenic (PMID: 34704405; external communication). This suggests that these extensions are likely to be disease-causing. For these reasons, this variant has been classified as Pathogenic.

Literature cited by the submitters: PubMed 10713439 (cited by Ambry Genetics); PubMed 11805113 (cited by Ambry Genetics); PubMed 34704405 (cited by Labcorp Genetics (formerly Invitae), Labcorp).